The following is an entry in ClinVar:

NM_003743.5(NCOA1):c.3383A>G (p.Gln1128Arg)

Gene: NCOA1 (nuclear receptor coactivator 1; plus strand). Cytogenetic location: 2p23.3.
Variant type: single nucleotide variant.
Coding change: c.3383A>G on transcript NM_003743.5 (MANE Select); coding-DNA position 3383, A replaced by G.
Protein change: p.Gln1128Arg; replaces glutamine 1128 with arginine.
Molecular consequence: missense variant.
Genome position (GRCh38, 1-based): chr2:24,741,863, A>G. VCF-style: chr2-24741863-A-G. GRCh37 (hg19) VCF-style: chr2-24964732-A-G.
Other names: c.3383A>G, p.Gln1128Arg (NM_001362950.1, NM_001362952.1, NM_001362954.1 and 3 more transcripts); short protein forms Q1128R.
Identifiers: ClinVar variation 4997742 (VCV004997742.1).

ClinVar aggregate classification (germline): Uncertain significance (1 of 4 stars; one submission).

Conditions:
NCOA1-related disorder. Also called: NCOA1-related condition.

Submission:

PreventionGenetics, part of Exact Sciences
Classification: Uncertain significance for NCOA1-related condition. Last evaluated: 2025-01-17. Review status: criteria provided, single submitter. Criteria: ACMG Guidelines, 2015. Collection method: clinical testing. Allele origin: germline.
Comment: The NCOA1 c.3383A>G variant is predicted to result in the amino acid substitution p.Gln1128Arg. To our knowledge, this variant has not been reported in the literature or in a large population database (gnomAD), indicating this variant is rare. At this time, the clinical significance of this variant is uncertain due to the absence of conclusive functional and genetic evidence.